The following is an entry in ClinVar:

ClinVar aggregate classification (germline): Uncertain significance. Review status: criteria provided, multiple submitters, no conflicts (2 of 4 stars). 2 submissions from 2 submitters: Uncertain significance (2). Last evaluated 2024-10-03.

Conditions:
Hereditary pancreatitis (PCTT). Also called: Hereditary chronic pancreatitis; PRSS1-Related Hereditary Pancreatitis. Identifiers: Orphanet 676, MedGen C0238339, MONDO:0008185, OMIM 167800.

Allele frequency attached by ClinVar (database versions not stated): gnomAD exomes 0.00001; gnomAD 0.00003 and 0.00004.

Submissions (2):

Ambry Genetics
Classification: Uncertain significance for Hereditary pancreatitis. Last evaluated: 2024-10-03. Review status: criteria provided, single submitter. Criteria: Ambry Variant Classification Scheme 2023. Collection method: clinical testing. Allele origin: germline.
Comment: The p.G345R variant (also known as c.1033G>A), located in coding exon 9 of the CPA1 gene, results from a G to A substitution at nucleotide position 1033. The glycine at codon 345 is replaced by arginine, an amino acid with dissimilar properties. This amino acid position is well conserved in available vertebrate species. In addition, this alteration is predicted to be tolerated by in silico analysis. Based on the available evidence, the clinical significance of this variant remains unclear.

Labcorp Genetics (formerly Invitae), Labcorp
Classification: Uncertain significance. Last evaluated: 2020-12-11. Review status: criteria provided, single submitter. Criteria: Invitae Variant Classification Sherloc (09022015). Collection method: clinical testing. Allele origin: germline.
Comment: This variant has not been reported in the literature in individuals with CPA1-related conditions. This sequence change replaces glycine with arginine at codon 345 of the CPA1 protein (p.Gly345Arg). The glycine residue is highly conserved and there is a moderate physicochemical difference between glycine and arginine. This variant is not present in population databases (ExAC no frequency). Algorithms developed to predict the effect of missense changes on protein structure and function output the following: SIFT: "Deleterious"; PolyPhen-2: "Possibly Damaging"; Align-GVGD: "Class C15". The arginine amino acid residue is found in multiple mammalian species, suggesting that this missense change does not adversely affect protein function. These predictions have not been confirmed by published functional studies and their clinical significance is uncertain. Algorithms developed to predict the effect of sequence changes on RNA splicing suggest that this variant may create or strengthen a splice site, but this prediction has not been confirmed by published transcriptional studies. In summary, the available evidence is currently insufficient to determine the role of this variant in disease. Therefore, it has been classified as a Variant of Uncertain Significance.

NM_001868.4(CPA1):c.1033G>A (p.Gly345Arg)

Gene: CPA1 (carboxypeptidase A1; plus strand). Cytogenetic location: 7q32.2.
Variant type: single nucleotide variant.
Coding change: c.1033G>A on transcript NM_001868.4 (MANE Select); coding-DNA position 1033, G replaced by A.
Protein change: p.Gly345Arg; replaces glycine 345 with arginine.
Molecular consequence: missense variant.
Genome position (GRCh38, 1-based): chr7:130,385,884, G>A. VCF-style: chr7-130385884-G-A. GRCh37 (hg19) VCF-style: chr7-130025725-G-A.
Other names: c.1033G>A (NM_001868.2); short protein forms G345R.
Identifiers: ClinVar variation 1055462 (VCV001055462.10), dbSNP rs1269904343, ClinGen allele CA369284061.